The following is an entry in ClinVar:

ClinVar aggregate classification (germline): Uncertain significance. Review status: criteria provided, multiple submitters, no conflicts (2 of 4 stars). 4 submissions from 4 submitters: Uncertain significance (4). Last evaluated 2025-09-01.

Conditions:
Inborn genetic diseases. Identifiers: MedGen C0950123, MeSH D030342.
Vesicoureteral reflux 3 (VUR3). Identifiers: Orphanet 289365, MedGen C3150927, MONDO:0013356, OMIM 613674.

Allele frequency attached by ClinVar (database versions not stated): gnomAD exomes 0.00002; ExAC 0.00004; TOPMed 0.00004; gnomAD 0.00005.
gnomAD v4.1: 32 of 1,546,752 alleles (0.0021%); highest among the groups gnomAD compares: Admixed American, 0.0037%; no homozygotes.

Submissions (4):

CeGaT Center for Human Genetics Tuebingen
Classification: Uncertain significance. Last evaluated: 2025-09-01. Review status: criteria provided, single submitter. Criteria: CeGaT Center For Human Genetics Tuebingen Variant Classification Criteria Version 2. Collection method: clinical testing. Allele origin: germline. Affected: yes. Observed: 1 variant allele.
Comment: SOX17: PP3

Labcorp Genetics (formerly Invitae), Labcorp
Classification: Uncertain significance. Last evaluated: 2024-09-15. Review status: criteria provided, single submitter. Criteria: Invitae Variant Classification Sherloc (09022015). Collection method: clinical testing. Allele origin: germline.
Comment: This sequence change replaces proline, which is neutral and non-polar, with serine, which is neutral and polar, at codon 196 of the SOX17 protein (p.Pro196Ser). This variant is present in population databases (rs774174616, gnomAD 0.009%). This variant has not been reported in the literature in individuals affected with SOX17-related conditions. ClinVar contains an entry for this variant (Variation ID: 2401526). Invitae Evidence Modeling of protein sequence and biophysical properties (such as structural, functional, and spatial information, amino acid conservation, physicochemical variation, residue mobility, and thermodynamic stability) indicates that this missense variant is not expected to disrupt SOX17 protein function with a negative predictive value of 80%. In summary, the available evidence is currently insufficient to determine the role of this variant in disease. Therefore, it has been classified as a Variant of Uncertain Significance.

Fulgent Genetics
Classification: Uncertain significance for Vesicoureteral reflux 3. Last evaluated: 2024-02-27. Review status: criteria provided, single submitter. Criteria: ACMG Guidelines, 2015. Collection method: clinical testing. Allele origin: germline.

Ambry Genetics
Classification: Uncertain significance for Inborn genetic diseases. Last evaluated: 2022-12-06. Review status: criteria provided, single submitter. Criteria: Ambry Variant Classification Scheme 2023. Collection method: clinical testing. Allele origin: germline.

NM_022454.4(SOX17):c.586C>T (p.Pro196Ser)

Gene: SOX17 (SRY-box transcription factor 17; plus strand). Cytogenetic location: 8q11.23.
Variant type: single nucleotide variant.
Coding change: c.586C>T on transcript NM_022454.4 (MANE Select); coding-DNA position 586, C replaced by T.
Protein change: p.Pro196Ser; replaces proline 196 with serine.
Molecular consequence: missense variant.
Genome position (GRCh38, 1-based): chr8:54,459,336, C>T. VCF-style: chr8-54459336-C-T. GRCh37 (hg19) VCF-style: chr8-55371896-C-T.
Other names: short protein forms P196S.
Identifiers: ClinVar variation 2401526 (VCV002401526.12), dbSNP rs774174616, ClinGen allele CA4750937.